The following is an entry in ClinVar:

ClinVar aggregate classification (germline): Uncertain significance (1 of 4 stars; one submission).

Conditions:
Agammaglobulinemia 2, autosomal recessive (AGM2). Also called: AGAMMAGLOBULINEMIA, AUTOSOMAL RECESSIVE, DUE TO IGLL1 DEFECT. Identifiers: MedGen C3150750, MONDO:0013287, OMIM 613500.

Submission:

Labcorp Genetics (formerly Invitae), Labcorp
Classification: Uncertain significance for Agammaglobulinemia 2, autosomal recessive. Last evaluated: 2026-01-26. Review status: criteria provided, single submitter. Criteria: Invitae Variant Classification Sherloc (09022015). Collection method: clinical testing. Allele origin: germline.
Comment: This sequence change replaces tryptophan, which is neutral and slightly polar, with arginine, which is basic and polar, at codon 77 of the IGLL1 protein (p.Trp77Arg). Information on the frequency of this variant in the gnomAD database is not available, as this variant may be reported differently in the database. This variant has not been reported in the literature in individuals affected with IGLL1-related conditions. ClinVar contains an entry for this variant (Variation ID: 3616179). Experimental studies and prediction algorithms are not available or were not evaluated, and the functional significance of this variant is currently unknown. In summary, the available evidence is currently insufficient to determine the role of this variant in disease. Therefore, it has been classified as a Variant of Uncertain Significance.

NM_020070.4(IGLL1):c.228_229delinsTA (p.Trp77Arg)

Gene: IGLL1 (immunoglobulin lambda like polypeptide 1; minus strand). Cytogenetic location: 22q11.23.
Variant type: Indel.
Coding change: c.228_229delinsTA on transcript NM_020070.4 (MANE Select); coding-DNA positions 228 to 229, CT replaced by TA.
Protein change: p.Trp77Arg; replaces tryptophan 77 with arginine.
Molecular consequence: missense variant. On other transcripts: intron variant (1).
Genome position (GRCh38, 1-based): chr22:23,575,060-23,575,061, AG replaced by TA on the plus strand (CT replaced by TA on the coding strand, the reverse complement: IGLL1 is on the minus strand). VCF-style: chr22-23575060-AG-TA. GRCh37 (hg19) VCF-style: chr22-23917247-AG-TA.
Other names: c.231_232delinsTA, p.Trp78Arg (NM_001369906.1); c.207-1476_207-1475delinsTA (NM_152855.3); short protein forms W77R, W78R.
Identifiers: ClinVar variation 3616179 (VCV003616179.2).